The following is an entry in ClinVar:

ClinVar aggregate classification (germline): Benign/Likely benign. Review status: criteria provided, multiple submitters, no conflicts (2 of 4 stars). 4 submissions from 4 submitters: Benign (1); Likely benign (3). Last evaluated 2026-01-31.

Conditions:
Congenital secretory diarrhea, chloride type (DIAR1). Also called: DIARRHEA 1, SECRETORY CHLORIDE, CONGENITAL; CHLORIDORRHEA, CONGENITAL; CHLORIDE DIARRHEA, CONGENITAL, FINNISH TYPE. Identifiers: Orphanet 53689, MedGen C0267662, MONDO:0008964, OMIM 214700.

Allele frequency attached by ClinVar (database versions not stated): gnomAD exomes 0.00076 and 0.00199; ExAC 0.00257; gnomAD 0.00814 and 0.00878; ESP Exome Variant Server 0.00930; TOPMed 0.00951; 1000 Genomes Project 0.00978; 1000 Genomes Project 30x 0.00984.
gnomAD v4.1: 2,385 of 1,607,962 alleles (0.15%); highest among the groups gnomAD compares: African/African-American, 2.8%; 31 homozygotes.

Submissions (4):

Labcorp Genetics (formerly Invitae), Labcorp
Classification: Benign. Last evaluated: 2026-01-31. Review status: criteria provided, single submitter. Criteria: Invitae Variant Classification Sherloc (09022015). Collection method: clinical testing. Allele origin: germline.

GeneDx
Classification: Likely benign. Last evaluated: 2020-05-14. Review status: criteria provided, single submitter. Criteria: GeneDx Variant Classification Process June 2021. Collection method: clinical testing. Allele origin: germline. Affected: yes.

Illumina Laboratory Services, Illumina
Classification: Likely benign for Congenital secretory diarrhea, chloride type. Last evaluated: 2017-04-27. Review status: criteria provided, single submitter. Criteria: ICSL Variant Classification Criteria 13 December 2019. Collection method: clinical testing. Allele origin: germline.
Comment: This variant was observed as part of a predisposition screen in an ostensibly healthy population. A literature search was performed for the gene, cDNA change, and amino acid change (where applicable). No publications were found based on this search. Allele frequency data from public databases allowed determination this variant is unlikely to cause disease. Therefore, this variant is classified as likely benign.

Breakthrough Genomics
Classification: Likely benign. Review status: criteria provided, single submitter. Criteria: ACMG Guidelines, 2015. Collection method: not provided. Allele origin: germline. Inheritance: Autosomal recessive inheritance. Affected: yes.

NM_000111.3(SLC26A3):c.2258A>G (p.Asn753Ser)

Gene: SLC26A3 (solute carrier family 26 member 3; minus strand). Cytogenetic location: 7q22.3.
Variant type: single nucleotide variant.
Coding change: c.2258A>G on transcript NM_000111.3 (MANE Select); coding-DNA position 2258, A replaced by G.
Protein change: p.Asn753Ser; replaces asparagine 753 with serine.
Molecular consequence: missense variant.
Genome position (GRCh38, 1-based): chr7:107,767,592, T>C on the plus strand (A>G on the coding strand, the complement: SLC26A3 is on the minus strand). VCF-style: chr7-107767592-T-C. GRCh37 (hg19) VCF-style: chr7-107408037-T-C.
Other names: short protein forms N753S.
Identifiers: ClinVar variation 358535 (VCV000358535.19), dbSNP rs35342296, ClinGen allele CA4433530.